The following is an entry in ClinVar:

ClinVar aggregate classification (germline): Uncertain significance (1 of 4 stars; one submission).

Allele frequency attached by ClinVar (database versions not stated): gnomAD exomes below 0.00001; TOPMed below 0.00001; gnomAD 0.00001.
gnomAD v4.1: 2 of 1,614,052 alleles (0.00012%); highest among the groups gnomAD compares: African/African-American, 0.0027%; no homozygotes.

Submission:

Labcorp Genetics (formerly Invitae), Labcorp
Classification: Uncertain significance. Last evaluated: 2022-05-19. Review status: criteria provided, single submitter. Criteria: Invitae Variant Classification Sherloc (09022015). Collection method: clinical testing. Allele origin: germline.
Comment: This variant has not been reported in the literature in individuals affected with ZNF341-related conditions. In summary, the available evidence is currently insufficient to determine the role of this variant in disease. Therefore, it has been classified as a Variant of Uncertain Significance. Algorithms developed to predict the effect of missense changes on protein structure and function (SIFT, PolyPhen-2, Align-GVGD) all suggest that this variant is likely to be disruptive. This variant is not present in population databases (gnomAD no frequency). This sequence change replaces serine, which is neutral and polar, with phenylalanine, which is neutral and non-polar, at codon 150 of the ZNF341 protein (p.Ser150Phe).

NM_001282933.2(ZNF341):c.449C>T (p.Ser150Phe)

Gene: ZNF341 (zinc finger protein 341; plus strand). Cytogenetic location: 20q11.22.
Variant type: single nucleotide variant.
Coding change: c.449C>T on transcript NM_001282933.2 (MANE Select); coding-DNA position 449, C replaced by T.
Protein change: p.Ser150Phe; replaces serine 150 with phenylalanine.
Molecular consequence: missense variant. On other transcripts: non-coding transcript variant (1).
Genome position (GRCh38, 1-based): chr20:33,749,032, C>T. VCF-style: chr20-33749032-C-T. GRCh37 (hg19) VCF-style: chr20-32336838-C-T.
Other names: c.179C>T, p.Ser60Phe (NM_001282935.2); c.449C>T, p.Ser150Phe (NM_032819.5); short protein forms S60F, S150F.
Identifiers: ClinVar variation 1960376 (VCV001960376.5), dbSNP rs1330819294, ClinGen allele CA408647167.